The following is an entry in ClinVar:

NM_001035.3(RYR2):c.2119C>T (p.Pro707Ser)

Gene: RYR2 (ryanodine receptor 2; plus strand). Cytogenetic location: 1q43.
Variant type: single nucleotide variant.
Coding change: c.2119C>T on transcript NM_001035.3 (MANE Select); coding-DNA position 2119, C replaced by T.
Protein change: p.Pro707Ser; replaces proline 707 with serine.
Molecular consequence: missense variant.
Genome position (GRCh38, 1-based): chr1:237,496,668, C>T. VCF-style: chr1-237496668-C-T. GRCh37 (hg19) VCF-style: chr1-237659968-C-T.
Other names: short protein forms P707S.
Identifiers: ClinVar variation 2506243 (VCV002506243.2), dbSNP rs1328620651, ClinGen allele CA345392005.
Genomic context (GRCh38, chr1:237,496,668, plus strand): 5'-ACAGCTGAAGCAACTCACCTGCGAGTGGGCTGGGCTTCCACTGAAGGATATTCTCCCTAC[C>T]CTGGAGGGGGCGAAGAGTGGGGTGGAAATGGTGTTGGAGATGATCTCTTCTCCTATGGAT-3'
Protein context (NP_001026.2, residues 697-717): WASTEGYSPY[Pro707Ser]GGGEEWGGNG

ClinVar aggregate classification (germline): Uncertain significance. Review status: criteria provided, multiple submitters, no conflicts (2 of 4 stars). 2 submissions from 2 submitters: Uncertain significance (2). Last evaluated 2023-12-01.

Conditions:
Catecholaminergic polymorphic ventricular tachycardia (CVPT). Also called: Catecholamine-induced polymorphic ventricular tachycardia. Identifiers: Orphanet 3286, MedGen C5574922, MONDO:0017990.

Allele frequency attached by ClinVar (database versions not stated): TOPMed below 0.00001.
gnomAD v4.1: 2 of 1,613,918 alleles (0.00012%); highest among the groups gnomAD compares: Non-Finnish European, 0.00017%; no homozygotes.

Submissions (2):

All of Us Research Program, National Institutes of Health
Classification: Uncertain significance for Catecholaminergic polymorphic ventricular tachycardia. Last evaluated: 2023-12-01. Review status: criteria provided, single submitter. Criteria: ACMG Guidelines, 2015. Collection method: clinical testing. Allele origin: germline. Inheritance: Autosomal dominant inheritance. Observed: 1 variant allele, 1 heterozygote.
Comment: This study involves interpretation of variants in research participants for the purpose of population health screening. Participant phenotype was not available at the time of variant classification. Additional details can be found in publication PMID: 35346344, PMCID: PMC8962531

Women's Health and Genetics/Laboratory Corporation of America, LabCorp
Classification: Uncertain significance. Last evaluated: 2023-05-06. Review status: criteria provided, single submitter. Criteria: LabCorp Variant Classification Summary - May 2015. Collection method: clinical testing. Allele origin: germline.